The following is an entry in ClinVar:

NM_022168.4(IFIH1):c.1579C>A (p.Gln527Lys)

Gene: IFIH1 (interferon induced with helicase C domain 1; minus strand). Cytogenetic location: 2q24.2.
Variant type: single nucleotide variant.
Coding change: c.1579C>A on transcript NM_022168.4 (MANE Select); coding-DNA position 1579, C replaced by A.
Protein change: p.Gln527Lys; replaces glutamine 527 with lysine.
Molecular consequence: missense variant.
Genome position (GRCh38, 1-based): chr2:162,280,058, G>T on the plus strand (C>A on the coding strand, the complement: IFIH1 is on the minus strand). VCF-style: chr2-162280058-G-T. GRCh37 (hg19) VCF-style: chr2-163136568-G-T.
Other names: short protein forms Q527K.
Identifiers: ClinVar variation 1715980 (VCV001715980.5), dbSNP rs1682778306, ClinGen allele CA349001083.
Genomic context (GRCh38, chr2:162,280,058, plus strand): 5'-CTCTGGTTGCATCTGCAATGGCAAACTTCTTGCATGGCTCCTGTATTTGGTTTTTCAGTT[G>T]ATCAAGGTTTTCTTTAACAGTTTTAATAGTAAATGCATCAAGATTGGCACATAGCTGGAA-3'
Protein context (NP_071451.2, residues 517-537): TIKTVKENLD[Gln527Lys]LKNQIQEPCK

ClinVar aggregate classification (germline): Uncertain significance (1 of 4 stars; one submission).

Conditions:
Singleton-Merten syndrome 1 (SGMRT1). Also called: Widened medullary cavities of bone, aortic calcification, abnormal dentition, and muscular weakness; Syndrome of widened medullary cavities of the metacarpals and phalanges, aortic calcification and abnormal dentition. Identifiers: Orphanet 85191, MedGen C4225427, MONDO:0024535, OMIM 182250.
Aicardi-Goutieres syndrome 7 (AGS7). Identifiers: Orphanet 51, MedGen C3888244, MONDO:0014367, OMIM 615846.

Submission:

Labcorp Genetics (formerly Invitae), Labcorp
Classification: Uncertain significance for Aicardi-Goutieres syndrome 7; Singleton-Merten syndrome 1. Last evaluated: 2022-08-13. Review status: criteria provided, single submitter. Criteria: Invitae Variant Classification Sherloc (09022015). Collection method: clinical testing. Allele origin: germline.
Comment: In summary, the available evidence is currently insufficient to determine the role of this variant in disease. Therefore, it has been classified as a Variant of Uncertain Significance. Algorithms developed to predict the effect of missense changes on protein structure and function (SIFT, PolyPhen-2, Align-GVGD) all suggest that this variant is likely to be tolerated. This variant has not been reported in the literature in individuals affected with IFIH1-related conditions. This variant is not present in population databases (gnomAD no frequency). This sequence change replaces glutamine, which is neutral and polar, with lysine, which is basic and polar, at codon 527 of the IFIH1 protein (p.Gln527Lys).